The following is an entry in ClinVar:

NM_000195.5(HPS1):c.1532+5G>A

Gene: HPS1 (HPS1 biogenesis of lysosomal organelles complex 3 subunit 1; minus strand). Cytogenetic location: 10q24.2.
Variant type: single nucleotide variant.
Coding change: c.1532+5G>A on transcript NM_000195.5 (MANE Select); 5 bases into the intron after coding-DNA position 1532, G replaced by A.
Molecular consequence: intron variant.
Genome position (GRCh38, 1-based): chr10:98,423,748, C>T on the plus strand (G>A on the coding strand, the complement: HPS1 is on the minus strand). VCF-style: chr10-98423748-C-T. GRCh37 (hg19) VCF-style: chr10-100183505-C-T.
Other names: c.1163+5G>A (NM_001322483.2, NM_001322484.2); c.1271+5G>A (NM_001322480.2, NM_001322481.2); c.1433+5G>A (NM_001322478.2, NM_001322479.2); c.1532+5G>A (NM_001322476.2, NM_001322477.2); c.1064+5G>A (NM_001322485.2); c.1172+5G>A (NM_001322482.2); c.560+5G>A (NM_001322489.2, NM_001311345.2, NM_001322487.2).
Identifiers: ClinVar variation 710352 (VCV000710352.18), dbSNP rs199874645, ClinGen allele CA5638998.

ClinVar aggregate classification (germline): Benign/Likely benign. Review status: criteria provided, multiple submitters, no conflicts (2 of 4 stars). 5 submissions from 5 submitters: Benign (2); Likely benign (2). 1 of the submissions does not count toward it. Last evaluated 2026-02-04.

Conditions:
Hermansky-Pudlak syndrome (HPS). Also called: ALBINISM WITH HEMORRHAGIC DIATHESIS AND PIGMENTED RETICULOENDOTHELIAL CELLS. Identifiers: Orphanet 79430, MedGen C0079504, MONDO:0019312.

Allele frequency attached by ClinVar (database versions not stated): 1000 Genomes Project 30x 0.00078; 1000 Genomes Project 0.00100; TOPMed 0.00119; ESP Exome Variant Server 0.00177; ExAC 0.00248; gnomAD exomes 0.00248 and 0.00258; gnomAD 0.00256 and 0.00273.
gnomAD v4.1: 3,969 of 1,614,122 alleles (0.25%); highest among the groups gnomAD compares: Non-Finnish European, 0.24%; 18 homozygotes.

Submissions (11):

Labcorp Genetics (formerly Invitae), Labcorp
Classification: Benign. Last evaluated: 2026-02-04. Review status: criteria provided, single submitter. Criteria: Invitae Variant Classification Sherloc (09022015). Collection method: clinical testing. Allele origin: germline.

Mayo Clinic Laboratories, Mayo Clinic
Classification: Benign. Last evaluated: 2025-06-10. Review status: criteria provided, single submitter. Criteria: ACMG Guidelines, 2015. Collection method: clinical testing. Allele origin: germline. Observed: 2 variant alleles.
Comment: BS1, BS2

Blueprint Genetics
Classification: Likely benign. Last evaluated: 2024-11-22. Review status: criteria provided, single submitter. Criteria: ACMG Guidelines, 2015. Collection method: clinical testing. Allele origin: germline.

GeneDx
Classification: Likely benign. Last evaluated: 2019-03-04. Review status: criteria provided, single submitter. Criteria: GeneDx Variant Classification Process June 2021. Collection method: clinical testing. Allele origin: germline. Affected: yes.

Natera, Inc.
Classification: Benign for Hermansky-Pudlak syndrome. Last evaluated: 2019-11-11. Review status: no assertion criteria provided. Collection method: clinical testing. Allele origin: germline. Not counted in ClinVar's aggregate classification.

Dr. Peter K. Rogan Lab, Western University
No classification provided (evidence only). Condition: Malignant tumor of urinary bladder. Review status: no classification provided. Collection method: in vitro. Allele origin: not applicable. Functional consequence: retained intron. Not counted in ClinVar's aggregate classification.

Dr. Peter K. Rogan Lab, Western University
No classification provided (evidence only). Condition: Lung cancer. Review status: no classification provided. Collection method: in vitro. Allele origin: not applicable. Functional consequence: retained intron. Not counted in ClinVar's aggregate classification.

Dr. Peter K. Rogan Lab, Western University
No classification provided (evidence only). Condition: Colorectal cancer. Review status: no classification provided. Collection method: in vitro. Allele origin: not applicable. Functional consequence: retained intron. Not counted in ClinVar's aggregate classification.

Dr. Peter K. Rogan Lab, Western University
No classification provided (evidence only). Condition: Uterine corpus endometrial carcinoma. Review status: no classification provided. Collection method: in vitro. Allele origin: not applicable. Functional consequence: retained intron. Not counted in ClinVar's aggregate classification.

Dr. Peter K. Rogan Lab, Western University
No classification provided (evidence only). Condition: Thymoma. Review status: no classification provided. Collection method: in vitro. Allele origin: not applicable. Functional consequence: retained intron. Not counted in ClinVar's aggregate classification.

Dr. Peter K. Rogan Lab, Western University
No classification provided (evidence only). Condition: Mesothelioma. Review status: no classification provided. Collection method: in vitro. Allele origin: not applicable. Functional consequence: retained intron. Not counted in ClinVar's aggregate classification.